The following is an entry in ClinVar:

ClinVar aggregate classification (germline): Uncertain significance (1 of 4 stars; one submission).

Conditions:
Leber congenital amaurosis 2 (LCA2). Also called: Autosomal Recessive RPE65-Related Retinal Degeneration; AMAUROSIS CONGENITA OF LEBER II. Identifiers: Orphanet 65, MedGen C1859844, MONDO:0008765, OMIM 204100. Disease mechanism: loss of function.
Retinitis pigmentosa 20 (RP20). Identifiers: Orphanet 791, MedGen C3151086, MONDO:0013425, OMIM 613794.

gnomAD v4.1: 2 of 1,613,452 alleles (0.00012%); highest among the groups gnomAD compares: African/African-American, 0.0027%; no homozygotes.

Submission:

Labcorp Genetics (formerly Invitae), Labcorp
Classification: Uncertain significance for Leber congenital amaurosis 2; Retinitis pigmentosa 20. Last evaluated: 2025-11-05. Review status: criteria provided, single submitter. Criteria: Invitae Variant Classification Sherloc (09022015). Collection method: clinical testing. Allele origin: germline.
Comment: This sequence change replaces alanine, which is neutral and non-polar, with glycine, which is neutral and non-polar, at codon 495 of the RPE65 protein (p.Ala495Gly). This variant is present in population databases (no rsID available, gnomAD 0.01%). This variant has not been reported in the literature in individuals affected with RPE65-related conditions. ClinVar contains an entry for this variant (Variation ID: 3749015). Invitae Evidence Modeling of protein sequence and biophysical properties (such as structural, functional, and spatial information, amino acid conservation, physicochemical variation, residue mobility, and thermodynamic stability) indicates that this missense variant is not expected to disrupt RPE65 protein function with a negative predictive value of 80%. In summary, the available evidence is currently insufficient to determine the role of this variant in disease. Therefore, it has been classified as a Variant of Uncertain Significance.

NM_000329.3(RPE65):c.1484C>G (p.Ala495Gly)

Gene: RPE65 (retinoid isomerohydrolase RPE65; minus strand). Cytogenetic location: 1p31.3.
Variant type: single nucleotide variant.
Coding change: c.1484C>G on transcript NM_000329.3 (MANE Select); coding-DNA position 1484, C replaced by G.
Protein change: p.Ala495Gly; replaces alanine 495 with glycine.
Molecular consequence: missense variant.
Genome position (GRCh38, 1-based): chr1:68,429,894, G>C on the plus strand (C>G on the coding strand, the complement: RPE65 is on the minus strand). VCF-style: chr1-68429894-G-C. GRCh37 (hg19) VCF-style: chr1-68895577-G-C.
Other names: c.1376C>G, p.Ala459Gly (NM_001406853.1); c.1208C>G, p.Ala403Gly (NM_001406856.1, NM_001406857.1); short protein forms A403G, A459G, A495G.
Identifiers: ClinVar variation 3749015 (VCV003749015.2).
Genomic context (GRCh38, chr1:68,429,894, plus strand): 5'-CGGGCAACTTCACTTAAGTCCTTGGCATTCAGAATCAGGAGATAAGCAGGCTTTTGTCCT[G>C]CTCCTGGGCTCACCACCACACTCAGAACTACACCTGTTTATCAGAAGTAAATTAGGCAAT-3'
Protein context (NP_000320.1, residues 485-505): VVLSVVVSPG[Ala495Gly]GQKPAYLLIL